The following is an entry in ClinVar:

ClinVar aggregate classification (germline): Pathogenic. Review status: criteria provided, multiple submitters, no conflicts (2 of 4 stars). 5 submissions from 5 submitters: Pathogenic (3). 2 of the submissions do not count toward it. Last evaluated 2023-01-16.

Conditions:
Inborn genetic diseases. Identifiers: MedGen C0950123, MeSH D030342.
Mucolipidosis type II. Also called: Mucolipidosis II Alpha/Beta; Mucolipidosis 2; ML 2; Inclusion cell disease; Leroy Disease; N-acetylglucosamine 1phosphotransferase deficiency. Identifiers: Orphanet 576, MedGen C2673377, MONDO:0009650, OMIM 252500.
Pseudo-Hurler polydystrophy. Also called: Type III Mucolipidosis; MUCOLIPIDOSIS IIIA; ML IIIA; Mucolipidosis III Alpha/Beta; ML III; ML III ALPHA/BETA. Identifiers: Orphanet 423461, Orphanet 577, MedGen C0033788, MONDO:0018931, OMIM 252600.
Mucopolysaccharidosis, MPS-III-A (MPS3A). Also called: Mucopolysaccharidosis, type IIIA; MPS III A; Mucopolysaccharidosis type IIIA (Sanfilippo A); SANFILIPPO SYNDROME A; SULFAMIDASE DEFICIENCY; mucopolysaccharidosis type 3A. Identifiers: Orphanet 581, Orphanet 79269, MedGen C0086647, MONDO:0009655, OMIM 252900.

Submissions (5):

Labcorp Genetics (formerly Invitae), Labcorp
Classification: Pathogenic for Pseudo-Hurler polydystrophy; Mucolipidosis type II. Last evaluated: 2023-01-16. Review status: criteria provided, single submitter. Criteria: Invitae Variant Classification Sherloc (09022015). Collection method: clinical testing. Allele origin: germline.
Comment: For these reasons, this variant has been classified as Pathogenic. ClinVar contains an entry for this variant (Variation ID: 38417). This variant is also known as 2215_2219delACTCA. This premature translational stop signal has been observed in individual(s) with clinical features of mucolipidosis type III alpha (PMID: 16465621). This variant is not present in population databases (gnomAD no frequency). This sequence change creates a premature translational stop signal (p.Ser685Lysfs*61) in the GNPTAB gene. It is expected to result in an absent or disrupted protein product. Loss-of-function variants in GNPTAB are known to be pathogenic (PMID: 19617216, 25107912).

Revvity Omics, Revvity
Classification: Pathogenic. Last evaluated: 2021-12-14. Review status: criteria provided, single submitter. Criteria: ACMG Guidelines, 2015. Collection method: clinical testing. Allele origin: germline.

Ambry Genetics
Classification: Pathogenic for Inborn genetic diseases. Last evaluated: 2021-11-03. Review status: criteria provided, single submitter. Criteria: Ambry Variant Classification Scheme 2023. Collection method: clinical testing. Allele origin: germline.
Comment: The c.2053_2057delTCAAC (p.S685Kfs*61) alteration, located in exon 13 (coding exon 13) of the GNPTAB gene, consists of a deletion of 5 nucleotides from position 2053 to 2057, causing a translational frameshift with a predicted alternate stop codon after 61 amino acids. This alteration is expected to result in loss of function by premature protein truncation or nonsense-mediated mRNA decay. This variant was not reported in population-based cohorts in the Genome Aggregation Database (gnomAD). This alteration was detected in trans with a pathogenic splice mutation in an individual with a mucolipodosis type III alpha phenotype (Kudo, 2006). Based on the available evidence, this alteration is classified as pathogenic.

Counsyl
Classification: Likely pathogenic for Mucolipidosis type II; Pseudo-Hurler polydystrophy. Last evaluated: 2018-05-23. Review status: no assertion criteria provided. Collection method: clinical testing. Allele origin: unknown. Not counted in ClinVar's aggregate classification.

GeneReviews
Classification: Pathogenic for Mucolipidosis III Alpha/Beta. Last evaluated: 2012-05-10. Review status: no assertion criteria provided. Collection method: curation. Allele origin: unknown. Not counted in ClinVar's aggregate classification.
ClinVar note: Converted during submission from pathologic to Pathogenic.

Literature cited by the submitters: PubMed 16465621 (cited by 3 submitters); PubMed 19617216 (cited by Labcorp Genetics (formerly Invitae), Labcorp); PubMed 25107912 (cited by Labcorp Genetics (formerly Invitae), Labcorp).

NM_024312.5(GNPTAB):c.2053_2057del (p.Ser685fs)

Gene: GNPTAB (N-acetylglucosamine-1-phosphate transferase subunits alpha and beta; minus strand). Cytogenetic location: 12q23.2.
Variant type: Deletion.
Coding change: c.2053_2057del on transcript NM_024312.5 (MANE Select); coding-DNA positions 2053 to 2057, 5 bases deleted (TCAAC; older notation c.2053_2057delTCAAC).
Protein change: p.Ser685fs; shifts the reading frame from serine 685.
Molecular consequence: frameshift variant.
Genome position (GRCh38, 1-based): chr12:101,764,860-101,764,864, GTTGA deleted on the plus strand (TCAAC on the coding strand, the reverse complement: GNPTAB is on the minus strand); deleting any 5 consecutive bases within chr12:101,764,860-101,764,867 gives the same sequence; the c. name uses the placement nearest the transcript's 3' end. VCF-style (leftmost placement, unchanged base first): chr12-101764859-TGTTGA-T. GRCh37 (hg19) VCF-style: chr12-102158637-TGTTGA-T.
Other names: AY687932:c.2051_2055delACTCA; c.2053_2057del5 (NM_024312.4); c.2053_2057delTCAAC (NM_024312.4); short protein forms S685fs.
Identifiers: ClinVar variation 38417 (VCV000038417.16), dbSNP rs34901902, ClinGen allele CA343066.
Genomic context (GRCh38, chr12:101,764,859, plus strand): 5'-GTCTTTTGGAAGGAGTGAAATATTTACCAGGGGAATTTTCACCTCTTCCTGGGCTCTCCT[TGTTGA>T]GTTAACATCATGTCTCTTAAACTTCGGGAAGCGTTTTTCTTTGGGAATATCCTCAAAAAG-3'